The following is an entry in ClinVar:

NM_000030.3(AGXT):c.139G>T (p.Gly47Trp)

Gene: AGXT (alanine--glyoxylate aminotransferase; plus strand). Cytogenetic location: 2q37.3.
Variant type: single nucleotide variant.
Coding change: c.139G>T on transcript NM_000030.3 (MANE Select); coding-DNA position 139, G replaced by T.
Protein change: p.Gly47Trp; replaces glycine 47 with tryptophan.
Molecular consequence: missense variant.
Genome position (GRCh38, 1-based): chr2:240,869,004, G>T. VCF-style: chr2-240869004-G-T. GRCh37 (hg19) VCF-style: chr2-241808421-G-T.
Other names: short protein forms G47W.
Identifiers: ClinVar variation 1497047 (VCV001497047.8), dbSNP rs180177173, ClinGen allele CA351313239.
Genomic context (GRCh38, chr2:240,869,004, plus strand): 5'-GGGCCTGGTCCTTCCAACCTGCCTCCTCGCATCATGGCAGCCGGGGGGCTGCAGATGATC[G>T]GGTCCATGAGCAAGGATATGTACCAGGTAGGAGTGGGGGTCACTCGGGGGGCCTGGGTCT-3'
Protein context (NP_000021.1, residues 37-57): IMAAGGLQMI[Gly47Trp]SMSKDMYQIM

ClinVar aggregate classification (germline): Likely pathogenic (1 of 4 stars; one submission).

Submission:

Labcorp Genetics (formerly Invitae), Labcorp
Classification: Likely pathogenic. Last evaluated: 2020-12-22. Review status: criteria provided, single submitter. Criteria: Invitae Variant Classification Sherloc (09022015). Collection method: clinical testing. Allele origin: germline.
Comment: This variant disrupts the p.Gly47 amino acid residue in AGXT. Other variant(s) that disrupt this residue have been determined to be pathogenic (PMID: 20564000, 17460142, 24718375, 26149463). This suggests that this residue is clinically significant, and that variants that disrupt this residue are likely to be disease-causing. Advanced modeling of protein sequence and biophysical properties (such as structural, functional, and spatial information, amino acid conservation, physicochemical variation, residue mobility, and thermodynamic stability) performed at Invitae indicates that this missense variant is expected to disrupt AGXT protein function. This variant has not been reported in the literature in individuals with AGXT-related conditions. This variant is not present in population databases (ExAC no frequency). This sequence change replaces glycine with tryptophan at codon 47 of the AGXT protein (p.Gly47Trp). The glycine residue is highly conserved and there is a large physicochemical difference between glycine and tryptophan. In summary, the currently available evidence indicates that the variant is pathogenic, but additional data are needed to prove that conclusively. Therefore, this variant has been classified as Likely Pathogenic.

Literature cited by the submitters: PubMed 20564000; PubMed 17460142; PubMed 24718375; PubMed 26149463.